The following is an entry in ClinVar:

NM_004364.5(CEBPA):c.80G>C (p.Ser27Thr)

Gene: CEBPA (CCAAT enhancer binding protein alpha; minus strand). Cytogenetic location: 19q13.11.
Variant type: single nucleotide variant.
Coding change: c.80G>C on transcript NM_004364.5 (MANE Select); coding-DNA position 80, G replaced by C.
Protein change: p.Ser27Thr; replaces serine 27 with threonine.
Molecular consequence: missense variant. On other transcripts: 5 prime UTR variant (1).
Genome position (GRCh38, 1-based): chr19:33,302,335, C>G on the plus strand (G>C on the coding strand, the complement: CEBPA is on the minus strand). VCF-style: chr19-33302335-C-G. GRCh37 (hg19) VCF-style: chr19-33793241-C-G.
Other names: c.-278G>C (NM_001285829.2); c.185G>C, p.Ser62Thr (NM_001287424.2); c.38G>C, p.Ser13Thr (NM_001287435.2); c.80G>C (NM_004364.3); short protein forms S62T, S13T, S27T.
Identifiers: ClinVar variation 1422145 (VCV001422145.7), dbSNP rs2145264644, ClinGen allele CA405275718.

ClinVar aggregate classification (germline): Uncertain significance. Review status: criteria provided, multiple submitters, no conflicts (2 of 4 stars). 2 submissions from 2 submitters: Uncertain significance (2). Last evaluated 2025-01-09.

Conditions:
Inborn genetic diseases. Identifiers: MedGen C0950123, MeSH D030342.
Acute myeloid leukemia (AML). Also called: Leukemia, acute myeloid, somatic; Leukemia, acute myelogenous, somatic; Acute myeloid leukemia, adult; AML adult; Acute non-lymphocytic leukemia; Acute granulocytic leukemia. Identifiers: Orphanet 519, MedGen C0023467, MeSH D015470, MONDO:0018874, OMIM 601626, HP:0004808. Disease mechanism: Constitutively activated FLT3.

Submissions (2):

Ambry Genetics
Classification: Uncertain significance for Inborn genetic diseases. Last evaluated: 2025-01-09. Review status: criteria provided, single submitter. Criteria: Ambry Variant Classification Scheme 2023. Collection method: clinical testing. Allele origin: germline.
Comment: The p.S27T variant (also known as c.80G>C), located in coding exon 1 of the CEBPA gene, results from a G to C substitution at nucleotide position 80. The serine at codon 27 is replaced by threonine, an amino acid with similar properties. This amino acid position is conserved. In addition, this alteration is predicted to be tolerated by in silico analysis. Based on the available evidence, the clinical significance of this variant remains unclear.

Labcorp Genetics (formerly Invitae), Labcorp
Classification: Uncertain significance for Acute myeloid leukemia. Last evaluated: 2022-02-24. Review status: criteria provided, single submitter. Criteria: Invitae Variant Classification Sherloc (09022015). Collection method: clinical testing. Allele origin: germline.
Comment: In summary, the available evidence is currently insufficient to determine the role of this variant in disease. Therefore, it has been classified as a Variant of Uncertain Significance. Algorithms developed to predict the effect of missense changes on protein structure and function (SIFT, PolyPhen-2, Align-GVGD) all suggest that this variant is likely to be tolerated. This variant has not been reported in the literature in individuals affected with CEBPA-related conditions. This variant is not present in population databases (gnomAD no frequency). This sequence change replaces serine, which is neutral and polar, with threonine, which is neutral and polar, at codon 27 of the CEBPA protein (p.Ser27Thr).